The following is an entry in ClinVar:

ClinVar aggregate classification (germline): Likely pathogenic (1 of 4 stars; one submission).

Conditions:
Mucopolysaccharidosis type 6 (MPS6). Also called: N-ACETYLGALACTOSAMINE-4-SULFATASE DEFICIENCY; MPS VI; MPS 6; Maroteaux Lamy syndrome; ARSB DEFICIENCY; ARYLSULFATASE B DEFICIENCY. Identifiers: Orphanet 583, MedGen C0026709, MONDO:0009661, OMIM 253200.

Submission:

Laboratory of Diagnosis and Therapy of Lysosomal Disorders, University of Padova
Classification: Likely pathogenic for Mucopolysaccharidosis type 6. Last evaluated: 2018-01-01. Review status: criteria provided, single submitter. Criteria: ACMG Guidelines, 2015. Collection method: curation. Allele origin: germline. Affected: yes.
Comment: In vitro functional studies supportive of a damaging effect on the gene product (low to no ARSB activity in homozygotes; PS3); Absent from GnomAD (PM2)

Literature cited by the submitters: PubMed 23557332; PubMed 24243352; PubMed 30118150.

NM_000046.5(ARSB):c.903C>G (p.Asn301Lys)

Gene: ARSB (arylsulfatase B; minus strand). Cytogenetic location: 5q14.1.
Variant type: single nucleotide variant.
Coding change: c.903C>G on transcript NM_000046.5 (MANE Select); coding-DNA position 903, C replaced by G.
Protein change: p.Asn301Lys; replaces asparagine 301 with lysine.
Molecular consequence: missense variant.
Genome position (GRCh38, 1-based): chr5:78,885,823, G>C on the plus strand (C>G on the coding strand, the complement: ARSB is on the minus strand). VCF-style: chr5-78885823-G-C. GRCh37 (hg19) VCF-style: chr5-78181646-G-C.
Other names: c.903C>G, p.Asn301Lys (NM_198709.3); short protein forms N301K.
Identifiers: ClinVar variation 559821 (VCV000559821.1), dbSNP rs147495977, ClinGen allele CA360343553.